The following is an entry in ClinVar:

ClinVar aggregate classification (germline): Pathogenic (1 of 4 stars; one submission).

Conditions:
Candidiasis, familial, 8 (CANDF8). Identifiers: Orphanet 1334, MedGen C3714992, MONDO:0014230, OMIM 615527.

gnomAD v4.1: 1 of 1,612,706 alleles (0.000062%); no homozygotes.

Submission:

Labcorp Genetics (formerly Invitae), Labcorp
Classification: Pathogenic for Candidiasis, familial, 8. Last evaluated: 2022-07-05. Review status: criteria provided, single submitter. Criteria: Invitae Variant Classification Sherloc (09022015). Collection method: clinical testing. Allele origin: germline.
Comment: This sequence change creates a premature translational stop signal (p.Arg491*) in the TRAF3IP2 gene. It is expected to result in an absent or disrupted protein product. Loss-of-function variants in TRAF3IP2 are known to be pathogenic (PMID: 24120361). This variant is not present in population databases (gnomAD no frequency). This variant has not been reported in the literature in individuals affected with TRAF3IP2-related conditions. For these reasons, this variant has been classified as Pathogenic.

Literature cited by the submitters: PubMed 24120361.

NM_147686.4(TRAF3IP2):c.1471C>T (p.Arg491Ter)

Genes: TRAF3IP2 (TRAF3 interacting protein 2; minus strand), TRAF3IP2-AS1 (TRAF3IP2 antisense RNA 1; plus strand). Cytogenetic location: 6q21.
Variant type: single nucleotide variant.
Coding change: c.1471C>T on transcript NM_147686.4 (MANE Select); coding-DNA position 1471, C replaced by T.
Protein change: p.Arg491Ter; replaces arginine 491 with a stop codon.
Molecular consequence: nonsense.
Genome position (GRCh38, 1-based): chr6:111,566,449, G>A on the plus strand (C>T on the coding strand, the complement: TRAF3IP2 is on the minus strand). VCF-style: chr6-111566449-G-A. GRCh37 (hg19) VCF-style: chr6-111887652-G-A.
Other names: c.1468C>T, p.Arg490Ter (NM_001164281.3); c.103C>T, p.Arg35Ter (NM_001164283.3); c.1498C>T, p.Arg500Ter (NM_147200.3); short protein forms R35*, R490*, R491*, R500*.
Identifiers: ClinVar variation 2167641 (VCV002167641.1), dbSNP rs1795637153, ClinGen allele CA365361205.